The following is an entry in ClinVar:

NM_001080397.3(SLC45A1):c.102C>T (p.Ser34=)

Gene: SLC45A1 (solute carrier family 45 member 1; plus strand). Cytogenetic location: 1p36.23.
Variant type: single nucleotide variant.
Coding change: c.102C>T on transcript NM_001080397.3 (MANE Select); coding-DNA position 102, C replaced by T.
Protein change: p.Ser34=; no amino-acid change (serine 34 retained).
Molecular consequence: synonymous variant. On other transcripts: intron variant (2).
Genome position (GRCh38, 1-based): chr1:8,324,431, C>T. VCF-style: chr1-8324431-C-T. GRCh37 (hg19) VCF-style: chr1-8384491-C-T.
Other names: c.102C>T, p.Ser34= (NM_001379614.1, NM_001379615.1, NM_001379616.1); c.-116-1387C>T (NM_001379617.1, NM_001379618.1).
Identifiers: ClinVar variation 4084525 (VCV004084525.8).

ClinVar aggregate classification (germline): Likely benign (1 of 4 stars; one submission).

gnomAD v4.1: 22 of 1,612,678 alleles (0.0014%); highest among the groups gnomAD compares: South Asian, 0.0044%; no homozygotes.

Submission:

CeGaT Center for Human Genetics Tuebingen
Classification: Likely benign. Last evaluated: 2025-08-01. Review status: criteria provided, single submitter. Criteria: CeGaT Center For Human Genetics Tuebingen Variant Classification Criteria Version 2. Collection method: clinical testing. Allele origin: germline. Affected: yes. Observed: 1 variant allele.
Comment: SLC45A1: BP4, BP7